The following is an entry in ClinVar:

ClinVar aggregate classification (germline): Pathogenic (1 of 4 stars; one submission).

Submission:

Labcorp Genetics (formerly Invitae), Labcorp
Classification: Pathogenic. Last evaluated: 2024-03-07. Review status: criteria provided, single submitter. Criteria: Invitae Variant Classification Sherloc (09022015). Collection method: clinical testing. Allele origin: germline.
Comment: This sequence change creates a premature translational stop signal (p.Thr1712Metfs*7) in the LOXHD1 gene. It is expected to result in an absent or disrupted protein product. Loss-of-function variants in LOXHD1 are known to be pathogenic (PMID: 19732867, 21465660, 25792669). This variant is not present in population databases (gnomAD no frequency). This variant has not been reported in the literature in individuals affected with LOXHD1-related conditions. For these reasons, this variant has been classified as Pathogenic.

Literature cited by the submitters: PubMed 19732867; PubMed 21465660; PubMed 25792669.

NM_001384474.1(LOXHD1):c.5321del (p.Thr1774fs)

Gene: LOXHD1 (lipoxygenase homology PLAT domains 1; minus strand). Cytogenetic location: 18q21.1.
Variant type: Deletion.
Coding change: c.5321del on transcript NM_001384474.1 (MANE Select); coding-DNA position 5321, one base deleted (C; older notation c.5321delC).
Protein change: p.Thr1774fs; shifts the reading frame from threonine 1774.
Molecular consequence: frameshift variant.
Genome position (GRCh38, 1-based): chr18:46,518,207, G deleted on the plus strand (C on the coding strand, the reverse complement: LOXHD1 is on the minus strand). VCF-style (leftmost placement, unchanged base first): chr18-46518206-AG-A. GRCh37 (hg19) VCF-style: chr18-44098169-AG-A.
Other names: c.1988del, p.Thr663fs (NM_001145472.3); c.38del, p.Thr13fs (NM_001145473.3, NM_001173129.2); c.1700del, p.Thr567fs (NM_001308013.2); c.5135del, p.Thr1712fs (NM_144612.7); short protein forms T663fs, T13fs, T1712fs, T1774fs, T567fs.
Identifiers: ClinVar variation 3644855 (VCV003644855.2).